The following is an entry in ClinVar:

ClinVar aggregate classification (germline): Uncertain significance (1 of 4 stars; one submission).

Conditions:
Peroxisome biogenesis disorder 2B (PBD2B). Identifiers: Orphanet 44, MedGen C3550234, MONDO:0008736, OMIM 202370.

Submission:

Labcorp Genetics (formerly Invitae), Labcorp
Classification: Uncertain significance for Peroxisome biogenesis disorder 2B. Last evaluated: 2022-05-06. Review status: criteria provided, single submitter. Criteria: Invitae Variant Classification Sherloc (09022015). Collection method: clinical testing. Allele origin: germline.
Comment: In summary, the available evidence is currently insufficient to determine the role of this variant in disease. Therefore, it has been classified as a Variant of Uncertain Significance. Algorithms developed to predict the effect of missense changes on protein structure and function are either unavailable or do not agree on the potential impact of this missense change (SIFT: "Deleterious"; PolyPhen-2: "Probably Damaging"; Align-GVGD: "Class C0"). This variant has not been reported in the literature in individuals affected with PEX5-related conditions. This variant is not present in population databases (gnomAD no frequency). This sequence change replaces cysteine, which is neutral and slightly polar, with tyrosine, which is neutral and polar, at codon 11 of the PEX5 protein (p.Cys11Tyr).

NM_001351132.2(PEX5):c.32G>A (p.Cys11Tyr)

Gene: PEX5 (peroxisomal biogenesis factor 5; plus strand). Cytogenetic location: 12p13.31.
Variant type: single nucleotide variant.
Coding change: c.32G>A on transcript NM_001351132.2 (MANE Select); coding-DNA position 32, G replaced by A.
Protein change: p.Cys11Tyr; replaces cysteine 11 with tyrosine.
Molecular consequence: missense variant.
Genome position (GRCh38, 1-based): chr12:7,190,409, G>A. VCF-style: chr12-7190409-G-A. GRCh37 (hg19) VCF-style: chr12-7343005-G-A.
Other names: c.32G>A, p.Cys11Tyr (NM_000319.5, NM_001131023.2, NM_001131024.2 and 22 more transcripts); short protein forms C11Y.
Identifiers: ClinVar variation 2134803 (VCV002134803.4), dbSNP rs2539797202, ClinGen allele CA383707138.